The following is an entry in ClinVar:

NM_001060.6(TBXA2R):c.889G>A (p.Ala297Thr)

Gene: TBXA2R (thromboxane A2 receptor; minus strand). Cytogenetic location: 19p13.3.
Variant type: single nucleotide variant.
Coding change: c.889G>A on transcript NM_001060.6 (MANE Select); coding-DNA position 889, G replaced by A.
Protein change: p.Ala297Thr; replaces alanine 297 with threonine.
Molecular consequence: missense variant.
Genome position (GRCh38, 1-based): chr19:3,595,831, C>T on the plus strand (G>A on the coding strand, the complement: TBXA2R is on the minus strand). VCF-style: chr19-3595831-C-T. GRCh37 (hg19) VCF-style: chr19-3595829-C-T.
Other names: c.889G>A, p.Ala297Thr (NM_201636.3); short protein forms A297T.
Identifiers: ClinVar variation 3662937 (VCV003662937.2).

ClinVar aggregate classification (germline): Uncertain significance (1 of 4 stars; one submission).

gnomAD v4.1: 2 of 1,611,548 alleles (0.00012%); highest among the groups gnomAD compares: South Asian, 0.0011%; no homozygotes.

Submission:

Labcorp Genetics (formerly Invitae), Labcorp
Classification: Uncertain significance. Last evaluated: 2024-12-03. Review status: criteria provided, single submitter. Criteria: Invitae Variant Classification Sherloc (09022015). Collection method: clinical testing. Allele origin: germline.
Comment: This sequence change replaces alanine, which is neutral and non-polar, with threonine, which is neutral and polar, at codon 297 of the TBXA2R protein (p.Ala297Thr). This variant is not present in population databases (gnomAD no frequency). This variant has not been reported in the literature in individuals affected with TBXA2R-related conditions. Invitae Evidence Modeling of protein sequence and biophysical properties (such as structural, functional, and spatial information, amino acid conservation, physicochemical variation, residue mobility, and thermodynamic stability) has been performed for this missense variant. However, the output from this modeling did not meet the statistical confidence thresholds required to predict the impact of this variant on TBXA2R protein function. In summary, the available evidence is currently insufficient to determine the role of this variant in disease. Therefore, it has been classified as a Variant of Uncertain Significance.